The following is an entry in ClinVar:

ClinVar aggregate classification (germline): Uncertain significance (1 of 4 stars; one submission).

Submission:

CeGaT Center for Human Genetics Tuebingen
Classification: Uncertain significance. Last evaluated: 2024-03-01. Review status: criteria provided, single submitter. Criteria: CeGaT Center For Human Genetics Tuebingen Variant Classification Criteria Version 2. Collection method: clinical testing. Allele origin: germline. Affected: yes. Observed: 1 variant allele.
Comment: TBCD: PM2, BP4

NM_005993.5(TBCD):c.2882C>T (p.Ala961Val)

Gene: TBCD (tubulin folding cofactor D). Cytogenetic location: 17q25.3.
Variant type: single nucleotide variant.
Coding change: c.2882C>T on transcript NM_005993.5 (MANE Select); coding-DNA position 2882, C replaced by T.
Protein change: p.Ala961Val; replaces alanine 961 with valine.
Molecular consequence: missense variant.
Genome position (GRCh38, 1-based): chr17:82,929,391, C>T. VCF-style: chr17-82929391-C-T. GRCh37 (hg19) VCF-style: chr17-80887267-C-T.
Other names: c.2831C>T, p.Ala944Val (NM_001411101.1); c.2801C>T, p.Ala934Val (NM_001411102.1); short protein forms A934V, A944V, A961V.
Identifiers: ClinVar variation 3067331 (VCV003067331.21), dbSNP rs1475591237, ClinGen allele CA401634894.
Genomic context (GRCh38, chr17:82,929,391, plus strand): 5'-GCCCGGCCTTGTCTCACTCACTCTCTTGCAGGTCCGATGTGGCCTCCGTGAACTGGAGTG[C>T]ACCTTCCCAGGCCTTCCCACGCATCACCCAGCTCCTTGGGCTGCCCACCTACCGCTACCA-3'
Protein context (NP_005984.3, residues 951-971): RSDVASVNWS[Ala961Val]PSQAFPRITQ